The following is an entry in ClinVar:

ClinVar aggregate classification (germline): Likely benign. Review status: criteria provided, multiple submitters, no conflicts (2 of 4 stars). 3 submissions from 3 submitters: Likely benign (2). 1 of the submissions does not count toward it. Last evaluated 2026-01-19.

Conditions:
CEP250-related disorder. Also called: CEP250-related condition.

Allele frequency attached by ClinVar (database versions not stated): gnomAD exomes 0.00007 and 0.00014; ESP Exome Variant Server 0.00015; ExAC 0.00022; gnomAD 0.00025 and 0.00029; TOPMed 0.00025.
gnomAD v4.1: 158 of 1,590,510 alleles (0.0099%); highest among the groups gnomAD compares: Middle Eastern, 0.13%; no homozygotes.

Submissions (3):

Labcorp Genetics (formerly Invitae), Labcorp
Classification: Likely benign. Last evaluated: 2026-01-19. Review status: criteria provided, single submitter. Criteria: Invitae Variant Classification Sherloc (09022015). Collection method: clinical testing. Allele origin: germline.

Blueprint Genetics
Classification: Likely benign. Last evaluated: 2024-11-27. Review status: criteria provided, single submitter. Criteria: ACMG Guidelines, 2015. Collection method: clinical testing. Allele origin: germline.

PreventionGenetics, part of Exact Sciences
Classification: Likely benign for CEP250-related condition. Last evaluated: 2023-12-06. Review status: no assertion criteria provided. Collection method: clinical testing. Allele origin: germline. Not counted in ClinVar's aggregate classification.
Comment: This variant is classified as likely benign based on ACMG/AMP sequence variant interpretation guidelines (Richards et al. 2015 PMID: 25741868, with internal and published modifications).

NM_007186.6(CEP250):c.244-6G>A

Gene: CEP250 (centrosomal protein 250; plus strand). Cytogenetic location: 20q11.22.
Variant type: single nucleotide variant.
Coding change: c.244-6G>A on transcript NM_007186.6 (MANE Select); 6 bases into the intron before coding-DNA position 244, G replaced by A.
Molecular consequence: intron variant.
Genome position (GRCh38, 1-based): chr20:35,465,737, G>A. VCF-style: chr20-35465737-G-A. GRCh37 (hg19) VCF-style: chr20-34053562-G-A.
Other names: c.-1656-6G>A (NM_001318219.1); c.244-6G>A (NM_007186.5).
Identifiers: ClinVar variation 1150197 (VCV001150197.10), dbSNP rs377361213, ClinGen allele CA9832568.